The following is an entry in ClinVar:

NM_178335.3(CCDC50):c.1216A>G (p.Lys406Glu)

Gene: CCDC50 (coiled-coil domain containing 50; plus strand). Cytogenetic location: 3q28.
Variant type: single nucleotide variant.
Coding change: c.1216A>G on transcript NM_178335.3 (MANE Select); coding-DNA position 1216, A replaced by G.
Protein change: p.Lys406Glu; replaces lysine 406 with glutamic acid.
Molecular consequence: missense variant.
Genome position (GRCh38, 1-based): chr3:191,380,906, A>G. VCF-style: chr3-191380906-A-G. GRCh37 (hg19) VCF-style: chr3-191098695-A-G.
Other names: c.688A>G, p.Lys230Glu (NM_174908.4); c.1216A>G (NM_178335.2); short protein forms K406E, K230E.
Identifiers: ClinVar variation 2181676 (VCV002181676.6), dbSNP rs145988140, ClinGen allele CA2755486.

ClinVar aggregate classification (germline): Uncertain significance. Review status: criteria provided, multiple submitters, no conflicts (2 of 4 stars). 3 submissions from 3 submitters: Uncertain significance (3). Last evaluated 2026-08-31.

Conditions:
CCDC50-related disorder. Also called: CCDC50-related condition.

Allele frequency attached by ClinVar (database versions not stated): gnomAD exomes 0.00001; ExAC 0.00003; gnomAD 0.00003; TOPMed 0.00005; ESP Exome Variant Server 0.00031.
gnomAD v4.1: 8 of 1,612,666 alleles (0.0005%); highest among the groups gnomAD compares: African/African-American, 0.011%; no homozygotes.

Submissions (3):

PreventionGenetics, part of Exact Sciences
Classification: Uncertain significance for CCDC50-related condition. Last evaluated: 2026-08-31. Review status: criteria provided, single submitter. Criteria: ACMG Guidelines, 2015. Collection method: clinical testing. Allele origin: germline.
Comment: The CCDC50 c.1216A>G variant is predicted to result in the amino acid substitution p.Lys406Glu. To our knowledge, this variant has not been reported in the literature. This variant is reported in 0.025% of alleles in individuals of African descent in gnomAD. Although we suspect that this variant may be benign, at this time, the clinical significance of this variant is uncertain due to the absence of conclusive functional and genetic evidence.

Ambry Genetics
Classification: Uncertain significance. Last evaluated: 2023-09-26. Review status: criteria provided, single submitter. Criteria: Ambry Variant Classification Scheme 2023. Collection method: clinical testing. Allele origin: germline.

Labcorp Genetics (formerly Invitae), Labcorp
Classification: Uncertain significance. Last evaluated: 2022-07-06. Review status: criteria provided, single submitter. Criteria: Invitae Variant Classification Sherloc (09022015). Collection method: clinical testing. Allele origin: germline.
Comment: In summary, the available evidence is currently insufficient to determine the role of this variant in disease. Therefore, it has been classified as a Variant of Uncertain Significance. Algorithms developed to predict the effect of missense changes on protein structure and function are either unavailable or do not agree on the potential impact of this missense change (SIFT: "Deleterious"; PolyPhen-2: "Benign"; Align-GVGD: "Class C0"). This variant has not been reported in the literature in individuals affected with CCDC50-related conditions. This variant is present in population databases (rs145988140, gnomAD 0.02%). This sequence change replaces lysine, which is basic and polar, with glutamic acid, which is acidic and polar, at codon 406 of the CCDC50 protein (p.Lys406Glu).